The following is an entry in ClinVar:

ClinVar aggregate classification (germline): Pathogenic. Review status: criteria provided, multiple submitters, no conflicts (2 of 4 stars). 11 submissions from 11 submitters: Pathogenic (11). Last evaluated 2025-12-01.

Conditions:
COL1A1-related disorder. Also called: COL1A1- related disease; COL1A1-related condition.
Osteogenesis imperfecta type III (OI3). Also called: Osteogenesis imperfecta type 3; OI type 3; Osteogenesis imperfecta, progressively deforming with normal sclerae; OI type III; Progressively Deforming Osteogenesis Imperfecta. Identifiers: Orphanet 216812, Orphanet 666, MedGen C0268362, MONDO:0009804, OMIM 259420.
Osteogenesis imperfecta type I (OI1). Also called: Lobstein's Disease; Lobstein disease; OI, TYPE I; OSTEOGENESIS IMPERFECTA TARDA; OSTEOGENESIS IMPERFECTA WITH BLUE SCLERAE; Osteogenesis imperfecta type 1. Identifiers: Orphanet 216796, Orphanet 666, MedGen C0023931, MONDO:0008146, OMIM 166200. Disease mechanism: loss of function.
Osteoporosis. Identifiers: MedGen C0029456, MONDO:0005298, OMIM 166710, HP:0000939.
Ehlers-Danlos syndrome, arthrochalasia type. Also called: EDS VII, MUTANT PROCOLLAGEN TYPE; EDS VIIA; Ehlers-Danlos syndrome, arthrochalasis type; Ehlers-Danlos syndrome, arthrochalasia type, 1; ARTHROCHALASIS MULTIPLEX CONGENITA. Identifiers: Orphanet 1899, Orphanet 99875, Orphanet 99876, MedGen C4551623, MONDO:0007525, OMIM 130060.
Combined osteogenesis imperfecta and Ehlers-Danlos syndrome 1. Also called: OIEDS SYNDROME 1. Identifiers: MedGen C5436842, MONDO:0030854, OMIM 619115.
Osteogenesis imperfecta with normal sclerae, dominant form (OI4). Also called: OSTEOGENESIS IMPERFECTA, TYPE IV, WITH DENTINOGENESIS IMPERFECTA; Osteogenesis Imperfecta Type IV; OSTEOGENESIS IMPERFECTA WITH NORMAL SCLERAE; Osteogenesis imperfecta type 4; Common Variable Osteogenesis Imperfecta with Normal Sclerae. Identifiers: Orphanet 216820, Orphanet 666, MedGen C0268363, MONDO:0008148, OMIM 166220.
Osteogenesis imperfecta, perinatal lethal (OI2). Also called: OI, TYPE II; OSTEOGENESIS IMPERFECTA CONGENITA; VROLIK TYPE OF OSTEOGENESIS IMPERFECTA; OSTEOGENESIS IMPERFECTA, TYPE II; Osteogenesis imperfecta type 2; Osteogenesis imperfecta, dominant perinatal lethal. Identifiers: Orphanet 216804, MedGen C0268358, MONDO:0008147, OMIM 166210.
Infantile cortical hyperostosis. Also called: Caffey Disease; P1PK BLOOD GROUP SYSTEM, P(2) PHENOTYPE; Hyperostosis, Cortical, Congenital. Identifiers: Orphanet 1310, MedGen C0020497, MONDO:0007244, OMIM 114000.
Osteogenesis imperfecta (OI). Identifiers: Orphanet 666, MedGen C0029434, MeSH D010013, MONDO:0019019.

Allele frequency attached by ClinVar (database versions not stated): TOPMed below 0.00001; gnomAD 0.00001.

Submissions (11):

PreventionGenetics, part of Exact Sciences
Classification: Pathogenic for COL1A1-related condition. Last evaluated: 2025-12-01. Review status: criteria provided, single submitter. Criteria: ACMG Guidelines, 2015. Collection method: clinical testing. Allele origin: germline.
Comment: The COL1A1 c.2299G>A variant is predicted to result in the amino acid substitution p.Gly767Ser. This variant is referred to as p.Gly589Ser using legacy nomenclature. This variant was reported in many individuals with varying types of osteogenesis imperfecta (see, for example, Forlino et al 1994. PubMed ID: 7881420; Zhang et al. 2012. PubMed ID: 21667357; Zhytnik et al 2020. PubMed ID: 32166892). It was reported to occur de novo in multiple patients (Forlino et al 1994. PubMed ID: 7881420; Table S1, Maddirevula et al. 2018. PubMed ID: 29620724; Mrosk et al. 2018. PubMed ID: 29499418). This variant is located in the conserved Gly-Xaa-Yaa triple helical domain where substitutions of a glycine are usually pathogenic (Marini et al. 2007. PubMed ID: 17078022). This variant has not been reported in a large population database, indicating it is rare. This variant is interpreted as pathogenic.

Dasa
Classification: Pathogenic. Last evaluated: 2025-10-22. Review status: criteria provided, single submitter. Criteria: DASA Assertion Criteria. Collection method: clinical testing. Allele origin: germline.
Comment: NM_000088.4(COL1A1):c.2299G>A (p.Gly767Ser) is a missense variant that results in the substitution of glycine with serine. The affected residue or protein region has prior evidence supporting clinical relevance. De novo occurrence has been reported in an individual with related phenotype. Functional evidence supports a deleterious effect on the gene or gene product (PMID: 30886339; PMID: 27484908; PMID: 28116328; PMID: 32166892). This variant has been recurrently observed in individuals with related phenotype (PMID: 30886339; PMID: 27484908; PMID: 28116328; PMID: 32166892). Multiple computational predictions support a deleterious effect on the gene or gene product. The variant is present at low frequency in population datasets. Based on the available data, this variant is classified as pathogenic.

Clinical Biomedical Laboratory, Shriners Hospital For Children - Canada
Classification: Pathogenic for Osteogenesis imperfecta type III. Last evaluated: 2025-07-16. Review status: criteria provided, single submitter. Criteria: ACMG Guidelines, 2015. Collection method: clinical testing. Allele origin: germline. Affected: yes.
Comment: This variant is predicted to substitute a glycine residue by a serine residue in the triple helical domain of the collagen type I alpha 1 chain. Glycine substitutions in the triple helical domain of the collagen type I alpha 2 chain cause disruption in the formation of the triple helix in the collagen type I molecule and are a typical cause of osteogenesis imperfecta. In the Genome Aggregation Database (gnomAD v2.1.1) this variant is not present, indicating it is very rare. The variant has been reported in the literature as a cause of osteogenesis imperfecta (PMID 30886339). Computational tools (REVEL: 0.99) suggest that the amino acid change is damaging to protein function. We have observed this variant in the Shriners Hospital for Children variant database in more than 10 unrelated individuals with a diagnosis of osteogenesis imperfecta.

Revvity Omics, Revvity
Classification: Pathogenic. Last evaluated: 2024-03-18. Review status: criteria provided, single submitter. Criteria: ACMG Guidelines, 2015. Collection method: clinical testing. Allele origin: germline.

Blueprint Genetics
Classification: Pathogenic for COL1A1-related disorders. Last evaluated: 2023-11-02. Review status: criteria provided, single submitter. Criteria: ACMG Guidelines, 2015. Collection method: clinical testing. Allele origin: germline. Affected: yes. Observed: 2 variant alleles.

Genome Diagnostics Laboratory, The Hospital for Sick Children
Classification: Pathogenic for Osteogenesis imperfecta. Last evaluated: 2022-05-25. Review status: criteria provided, single submitter. Criteria: ACMG Guidelines, 2015. Collection method: clinical testing. Allele origin: germline.

Laboratorio de Genetica e Diagnostico Molecular, Hospital Israelita Albert Einstein
Classification: Pathogenic for Osteogenesis imperfecta type I. Last evaluated: 2022-04-11. Review status: criteria provided, single submitter. Criteria: ACMG Guidelines, 2015. Collection method: clinical testing. Allele origin: germline. Affected: yes. Observed: 1 variant allele.
Comment: ACMG classification criteria: PS4 strong, PM1 moderated, PM2 moderated, PM6 moderated, PP3 supporting

GeneDx
Classification: Pathogenic. Last evaluated: 2021-12-21. Review status: criteria provided, single submitter. Criteria: GeneDx Variant Classification Process June 2021. Collection method: clinical testing. Allele origin: germline. Affected: yes.
Comment: Reported previously in multiple unrelated individuals with osteogenesis imperfecta in published literature (Forlino et al., 1994; Gentile et al., 2012; Mauri et al., 2016); Occurs in the triple helical domain and replaces the glycine in the canonical Gly-X-Y repeat; missense substitution of a canonical glycine residue is expected to disrupt normal protein folding and function, and this is an established mechanism of disease; Not observed in large population cohorts (Lek et al., 2016); In silico analysis supports that this missense variant has a deleterious effect on protein structure/function; This variant is associated with the following publications: (PMID: 7881420, 7695699, 22753364, 27484908, 21667357, 27748872, 29499418, 29620724, 30886339, 8218237, 31006186, 31414283, 32770541, 33470886, 32123938, 33939306)

CeGaT Center for Human Genetics Tuebingen
Classification: Pathogenic. Last evaluated: 2018-10-01. Review status: criteria provided, single submitter. Criteria: CeGaT Center For Human Genetics Tuebingen Variant Classification Criteria Version 2. Collection method: clinical testing. Allele origin: germline. Affected: yes. Observed: 3 variant alleles.

Labcorp Genetics (formerly Invitae), Labcorp
Classification: Pathogenic for Osteogenesis imperfecta type I. Last evaluated: 2018-06-11. Review status: criteria provided, single submitter. Criteria: Invitae Variant Classification Sherloc (09022015). Collection method: clinical testing. Allele origin: germline.
Comment: This sequence change replaces glycine with serine at codon 767 of the COL1A1 protein (p.Gly767Ser). The glycine residue is highly conserved and there is a small physicochemical difference between glycine and serine. This variant is not present in population databases (ExAC no frequency). This variant (also know asÂ¬â€ Gly589Ser in the literature)Â¬â€ has been observed in individuals affected with osteogenesis imperfecta (OI), including some individuals where it was observed as a de novo variant (PMID: 27484908, 7881420, 22753364). This missense change is located within a functionally conserved triple helix domain of the COL1A1 protein and variants that affect the glycine residue in Gly-Xaa-Yaa repeats of the collagen triple helix are known to disrupt protein folding and stability (PMID: 8218237, 7695699). Algorithms developed to predict the effect of sequence changes on RNA splicing suggest that this variant may create or strengthen a splice site, but this prediction has not been confirmed by published transcriptional studies. For these reasons, this variant has been classified as Pathogenic.

Juno Genomics, Hangzhou Juno Genomics, Inc
Classification: Pathogenic for Osteoporosis; Infantile cortical hyperostosis; Combined osteogenesis imperfecta and Ehlers-Danlos syndrome 1; Ehlers-Danlos syndrome, arthrochalasia type; Osteogenesis imperfecta type I; Osteogenesis imperfecta, perinatal lethal; Osteogenesis imperfecta type III; Osteogenesis imperfecta with normal sclerae, dominant form. Review status: criteria provided, single submitter. Criteria: ACMG Guidelines, 2015. Collection method: clinical testing. Allele origin: germline. Affected: yes.
Comment: Absent from controls (or at extremely low frequency if recessive) in Genome Aggregation Database, Exome Sequencing Project, 1000 Genomes Project, or Exome Aggregation Consortium.;Multiple lines of computational evidence support a deleterious effect on the gene or gene product (conservation, evolutionary, splicing impact, etc).;Missense variant in a gene that has a low rate of benign missense variation and where missense variants are a common mechanism of disease.;The prevalence of the variant in affected individuals is significantly increased compared to the prevalence in controls.;Patient's phenotype or family history is highly specific for a disease with a single genetic etiology.;Assumed de novo, but without confirmation of paternity and maternity.

Literature cited by the submitters: PubMed 30886339 (cited by Dasa and Clinical Biomedical Laboratory, Shriners Hospital For Children - Canada); PubMed 27484908 (cited by Dasa and Labcorp Genetics (formerly Invitae), Labcorp); PubMed 28116328 (cited by Dasa); PubMed 32166892 (cited by Dasa); PubMed 7881420 (cited by Labcorp Genetics (formerly Invitae), Labcorp); PubMed 8218237 (cited by Labcorp Genetics (formerly Invitae), Labcorp); PubMed 7695699 (cited by Labcorp Genetics (formerly Invitae), Labcorp); PubMed 22753364 (cited by Labcorp Genetics (formerly Invitae), Labcorp).

NM_000088.4(COL1A1):c.2299G>A (p.Gly767Ser)

Gene: COL1A1 (collagen type I alpha 1 chain; minus strand). Cytogenetic location: 17q21.33.
Variant type: single nucleotide variant.
Coding change: c.2299G>A on transcript NM_000088.4 (MANE Select); coding-DNA position 2299, G replaced by A.
Protein change: p.Gly767Ser; replaces glycine 767 with serine.
Molecular consequence: missense variant.
Genome position (GRCh38, 1-based): chr17:50,190,861, C>T on the plus strand (G>A on the coding strand, the complement: COL1A1 is on the minus strand). VCF-style: chr17-50190861-C-T. GRCh37 (hg19) VCF-style: chr17-48268222-C-T.
Other names: short protein forms G767S.
Identifiers: ClinVar variation 546096 (VCV000546096.57), dbSNP rs72651658, ClinGen allele CA291543892.